The following is an entry in ClinVar:

ClinVar aggregate classification (germline): Uncertain significance (1 of 4 stars; one submission).

Conditions:
Autosomal recessive limb-girdle muscular dystrophy type 2Y (MRRSDC). Also called: Muscular dystrophy, autosomal recessive, with rigid spine and distal joint contractures; Muscular dystrophy, limb-girdle, type 2y. Identifiers: Orphanet 424261, MedGen C4511482, MONDO:0014900, OMIM 617072.

Allele frequency attached by ClinVar (database versions not stated): ExAC 0.00001; gnomAD exomes 0.00001; TOPMed 0.00001.
gnomAD v4.1: 3 of 1,614,178 alleles (0.00019%); highest among the groups gnomAD compares: East Asian, 0.0067%; no homozygotes.

Submission:

Labcorp Genetics (formerly Invitae), Labcorp
Classification: Uncertain significance for Autosomal recessive limb-girdle muscular dystrophy type 2Y. Last evaluated: 2021-06-16. Review status: criteria provided, single submitter. Criteria: Invitae Variant Classification Sherloc (09022015). Collection method: clinical testing. Allele origin: germline.
Comment: This sequence change replaces glutamine with glutamic acid at codon 429 of the TOR1AIP1 protein (p.Gln429Glu). The glutamine residue is moderately conserved and there is a small physicochemical difference between glutamine and glutamic acid. In summary, the available evidence is currently insufficient to determine the role of this variant in disease. Therefore, it has been classified as a Variant of Uncertain Significance. Algorithms developed to predict the effect of missense changes on protein structure and function are either unavailable or do not agree on the potential impact of this missense change (SIFT: "Tolerated"; PolyPhen-2: "Possibly Damaging"; Align-GVGD: "Class C0"). This variant has not been reported in the literature in individuals with TOR1AIP1-related conditions. This variant is present in population databases (rs772076024, ExAC 0.01%).

NM_015602.4(TOR1AIP1):c.1282C>G (p.Gln428Glu)

Gene: TOR1AIP1 (torsin 1A interacting protein 1; plus strand). Cytogenetic location: 1q25.2.
Variant type: single nucleotide variant.
Coding change: c.1282C>G on transcript NM_015602.4 (MANE Select); coding-DNA position 1282, C replaced by G.
Protein change: p.Gln428Glu; replaces glutamine 428 with glutamic acid.
Molecular consequence: missense variant.
Genome position (GRCh38, 1-based): chr1:179,917,769, C>G. VCF-style: chr1-179917769-C-G. GRCh37 (hg19) VCF-style: chr1-179886904-C-G.
Other names: c.1285C>G, p.Gln429Glu (NM_001267578.2); short protein forms Q428E, Q429E.
Identifiers: ClinVar variation 1400245 (VCV001400245.8), dbSNP rs772076024, ClinGen allele CA1269119.